The following is an entry in ClinVar:

NM_000308.4(CTSA):c.1255-3C>A

Gene: CTSA (cathepsin A; plus strand). Cytogenetic location: 20q13.12.
Variant type: single nucleotide variant.
Coding change: c.1255-3C>A on transcript NM_000308.4 (MANE Select); 3 bases into the intron before coding-DNA position 1255, C replaced by A.
Molecular consequence: intron variant.
Genome position (GRCh38, 1-based): chr20:45,898,002, C>A. VCF-style: chr20-45898002-C-A. GRCh37 (hg19) VCF-style: chr20-44526641-C-A.
Other names: c.1255-3C>A (NM_001127695.3); c.1204-3C>A (NM_001167594.3).
Identifiers: ClinVar variation 1987959 (VCV001987959.1), dbSNP rs762371993, ClinGen allele CA9883356.

ClinVar aggregate classification (germline): Uncertain significance (1 of 4 stars; one submission).

Conditions:
Combined deficiency of sialidase AND beta galactosidase (GSL). Also called: NEURAMINIDASE DEFICIENCY WITH BETA-GALACTOSIDASE DEFICIENCY; NEURAMINIDASE/BETA-GALACTOSIDASE EXPRESSION; PPCA DEFICIENCY; PROTECTIVE PROTEIN/CATHEPSIN A DEFICIENCY; Galactosialidosis; CATHEPSIN A DEFICIENCY. Identifiers: Orphanet 351, MedGen C0268233, MONDO:0009737, OMIM 256540.

Allele frequency attached by ClinVar (database versions not stated): TOPMed below 0.00001; ExAC 0.00001.
gnomAD v4.1: 3 of 1,613,948 alleles (0.00019%); highest among the groups gnomAD compares: Admixed American, 0.005%; no homozygotes.

Submission:

Labcorp Genetics (formerly Invitae), Labcorp
Classification: Uncertain significance for Combined deficiency of sialidase AND beta galactosidase. Last evaluated: 2022-06-11. Review status: criteria provided, single submitter. Criteria: Invitae Variant Classification Sherloc (09022015). Collection method: clinical testing. Allele origin: germline.
Comment: This sequence change falls in intron 13 of the CTSA gene. It does not directly change the encoded amino acid sequence of the CTSA protein. It affects a nucleotide within the consensus splice site. This variant is present in population databases (rs762371993, gnomAD 0.006%). This variant has not been reported in the literature in individuals affected with CTSA-related conditions. Variants that disrupt the consensus splice site are a relatively common cause of aberrant splicing (PMID: 17576681, 9536098). Algorithms developed to predict the effect of sequence changes on RNA splicing suggest that this variant may create or strengthen a splice site. In summary, the available evidence is currently insufficient to determine the role of this variant in disease. Therefore, it has been classified as a Variant of Uncertain Significance.

Literature cited by the submitters: PubMed 17576681; PubMed 9536098.